The following is an entry in ClinVar:

ClinVar aggregate classification (germline): Uncertain significance (1 of 4 stars; one submission).

Conditions:
Peroxisome biogenesis disorder 3A (Zellweger). Also called: PEROXISOMAL BIOGENESIS DISORDER 3A (ZELLWEGER); Peroxisome biogenesis disorder 3A. Identifiers: Orphanet 912, MedGen C3553929, MONDO:0013927, OMIM 614859.

Submission:

Labcorp Genetics (formerly Invitae), Labcorp
Classification: Uncertain significance for Peroxisome biogenesis disorder 3A (Zellweger). Last evaluated: 2021-07-08. Review status: criteria provided, single submitter. Criteria: Invitae Variant Classification Sherloc (09022015). Collection method: clinical testing. Allele origin: germline.
Comment: This sequence change replaces glutamic acid with lysine at codon 142 of the PEX12 protein (p.Glu142Lys). The glutamic acid residue is moderately conserved and there is a small physicochemical difference between glutamic acid and lysine. This variant is not present in population databases (ExAC no frequency). This variant has not been reported in the literature in individuals affected with PEX12-related conditions. Algorithms developed to predict the effect of missense changes on protein structure and function are either unavailable or do not agree on the potential impact of this missense change (SIFT: "Tolerated"; PolyPhen-2: "Possibly Damaging"; Align-GVGD: "Class C0"). In summary, the available evidence is currently insufficient to determine the role of this variant in disease. Therefore, it has been classified as a Variant of Uncertain Significance.

NM_000286.3(PEX12):c.424G>A (p.Glu142Lys)

Gene: PEX12 (peroxisomal biogenesis factor 12; minus strand). Cytogenetic location: 17q12.
Variant type: single nucleotide variant.
Coding change: c.424G>A on transcript NM_000286.3 (MANE Select); coding-DNA position 424, G replaced by A.
Protein change: p.Glu142Lys; replaces glutamic acid 142 with lysine.
Molecular consequence: missense variant.
Genome position (GRCh38, 1-based): chr17:35,577,294, C>T on the plus strand (G>A on the coding strand, the complement: PEX12 is on the minus strand). VCF-style: chr17-35577294-C-T. GRCh37 (hg19) VCF-style: chr17-33904313-C-T.
Other names: short protein forms E142K.
Identifiers: ClinVar variation 1366349 (VCV001366349.8), dbSNP rs2142230751, ClinGen allele CA399138160.